The following is an entry in ClinVar:

ClinVar aggregate classification (germline): Conflicting classifications of pathogenicity. Review status: criteria provided, conflicting classifications (1 of 4 stars). 3 submissions from 3 submitters: Uncertain significance (2); Likely benign (1). Last evaluated 2023-12-05.

Conditions:
Hereditary cancer-predisposing syndrome. Also called: Neoplastic Syndromes, Hereditary; Tumor predisposition; Hereditary neoplastic syndrome; Hereditary Cancer Syndrome. Identifiers: Orphanet 140162, MedGen C0027672, MeSH D009386, MONDO:0015356.
Hereditary breast ovarian cancer syndrome. Also called: Hereditary breast and ovarian cancer syndrome; Hereditary breast and ovarian cancer; Hereditary breast and ovarian cancer syndrome (HBOC); Breast and ovarian cancer; Hereditary breast and/or ovarian cancer syndrome; BRCA1- and BRCA2-Associated Hereditary Breast and Ovarian Cancer. Identifiers: Orphanet 145, MedGen C0677776, MeSH D061325, MONDO:0003582. Disease mechanism: loss of function.

Submissions (3):

Color Diagnostics, LLC DBA Color Health
Classification: Uncertain significance for Hereditary cancer-predisposing syndrome. Last evaluated: 2023-12-05. Review status: criteria provided, single submitter. Criteria: ACMG Guidelines, 2015. Collection method: clinical testing. Allele origin: germline.
Comment: This missense variant replaces cysteine with glycine at codon 1200 of the BRCA2 protein. Computational prediction suggests that this variant may not impact protein structure and function (internally defined REVEL score threshold <= 0.5, PMID: 27666373). To our knowledge, functional studies have not been reported for this variant. This variant has not been reported in individuals affected with BRCA2-related disorders in the literature. This variant has not been identified in the general population by the Genome Aggregation Database (gnomAD). The available evidence is insufficient to determine the role of this variant in disease conclusively. Therefore, this variant is classified as a Variant of Uncertain Significance.

University of Washington Department of Laboratory Medicine, University of Washington
Classification: Likely benign for Hereditary cancer-predisposing syndrome. Last evaluated: 2023-03-23. Review status: criteria provided, single submitter. Criteria: Dines et al. (Genet Med. 2020). Collection method: curation. Allele origin: germline.
Comment: Missense variant in a coldspot region where missense variants are very unlikely to be pathogenic (PMID:31911673).

BRCA2 exon 11 coldspot. Reclassification based on statistical prior probability.

Labcorp Genetics (formerly Invitae), Labcorp
Classification: Uncertain significance for Hereditary breast ovarian cancer syndrome. Last evaluated: 2021-11-11. Review status: criteria provided, single submitter. Criteria: Invitae Variant Classification Sherloc (09022015). Collection method: clinical testing. Allele origin: germline.
Comment: Algorithms developed to predict the effect of sequence changes on RNA splicing suggest that this variant may create or strengthen a splice site. Advanced modeling of protein sequence and biophysical properties (such as structural, functional, and spatial information, amino acid conservation, physicochemical variation, residue mobility, and thermodynamic stability) performed at Invitae indicates that this missense variant is not expected to disrupt BRCA2 protein function. In summary, the available evidence is currently insufficient to determine the role of this variant in disease. Therefore, it has been classified as a Variant of Uncertain Significance. This sequence change replaces cysteine, which is neutral and slightly polar, with glycine, which is neutral and non-polar, at codon 1200 of the BRCA2 protein (p.Cys1200Gly). This variant is not present in population databases (gnomAD no frequency). This variant has not been reported in the literature in individuals affected with BRCA2-related conditions. ClinVar contains an entry for this variant (Variation ID: 629863).

NM_000059.4(BRCA2):c.3598T>G (p.Cys1200Gly)

Gene: BRCA2 (BRCA2 DNA repair associated; plus strand). Cytogenetic location: 13q13.1.
Variant type: single nucleotide variant.
Coding change: c.3598T>G on transcript NM_000059.4 (MANE Select); coding-DNA position 3598, T replaced by G.
Protein change: p.Cys1200Gly; replaces cysteine 1200 with glycine.
Molecular consequence: missense variant.
Genome position (GRCh38, 1-based): chr13:32,337,953, T>G. VCF-style: chr13-32337953-T-G. GRCh37 (hg19) VCF-style: chr13-32912090-T-G.
Other names: short protein forms C1200G.
Identifiers: ClinVar variation 629863 (VCV000629863.12), dbSNP rs80358607, ClinGen allele CA247505407.